The following is an entry in ClinVar:

ClinVar aggregate classification (germline): Benign/Likely benign. Review status: criteria provided, multiple submitters, no conflicts (2 of 4 stars). 2 submissions from 2 submitters: Benign (1); Likely benign (1). Last evaluated 2024-10-01.

Allele frequency attached by ClinVar (database versions not stated): gnomAD 0.00041; ESP Exome Variant Server 0.00062; TOPMed 0.00073; 1000 Genomes Project 0.00200; 1000 Genomes Project 30x 0.00203.
gnomAD v4.1: 1,576 of 1,597,970 alleles (0.099%); highest among the groups gnomAD compares: South Asian, 0.67%; 13 homozygotes.

Submissions (2):

CeGaT Center for Human Genetics Tuebingen
Classification: Likely benign. Last evaluated: 2024-10-01. Review status: criteria provided, single submitter. Criteria: CeGaT Center For Human Genetics Tuebingen Variant Classification Criteria Version 2. Collection method: clinical testing. Allele origin: germline. Affected: yes. Observed: 3 variant alleles.
Comment: PRTN3: BP4, BP7

Labcorp Genetics (formerly Invitae), Labcorp
Classification: Benign. Last evaluated: 2018-01-19. Review status: criteria provided, single submitter. Criteria: Invitae Variant Classification Sherloc (09022015). Collection method: clinical testing. Allele origin: germline.

NM_002777.4(PRTN3):c.198G>T (p.Val66=)

Gene: PRTN3 (proteinase 3; plus strand). Cytogenetic location: 19p13.3.
Variant type: single nucleotide variant.
Coding change: c.198G>T on transcript NM_002777.4 (MANE Select); coding-DNA position 198, G replaced by T.
Protein change: p.Val66=; no amino-acid change (valine 66 retained).
Molecular consequence: synonymous variant.
Genome position (GRCh38, 1-based): chr19:843,597, G>T. VCF-style: chr19-843597-G-T. GRCh37 (hg19) VCF-style: chr19-843597-G-T.
Identifiers: ClinVar variation 786842 (VCV000786842.27), dbSNP rs145358114, ClinGen allele CA9025662.